The following is an entry in ClinVar:

NM_001011547.3(SLC5A9):c.349C>T (p.Leu117=)

Gene: SLC5A9 (solute carrier family 5 member 9; plus strand). Cytogenetic location: 1p33.
Variant type: single nucleotide variant.
Coding change: c.349C>T on transcript NM_001011547.3 (MANE Select); coding-DNA position 349, C replaced by T.
Protein change: p.Leu117=; no amino-acid change (leucine 117 retained).
Molecular consequence: synonymous variant.
Genome position (GRCh38, 1-based): chr1:48,229,304, C>T. VCF-style: chr1-48229304-C-T. GRCh37 (hg19) VCF-style: chr1-48694976-C-T.
Other names: c.424C>T, p.Leu142= (NM_001135181.2).
Identifiers: ClinVar variation 3050515 (VCV003050515.2), dbSNP rs375041215, ClinGen allele CA843526.
Genomic context (GRCh38, chr1:48,229,304, plus strand): 5'-TCTGTCTACATCCAGGACCTGGATACCTTCTTCTTCTCCCCACTCTCCCAGGCAACCTGG[C>T]TGCTCCTGGCCCTTGGCTGGGTCTTCGTCCCTGTGTACATCGCAGCAGGTGTGGTCACAA-3'
Protein context (NP_001011547.2, residues 107-127): VGGFEWNATW[Leu117=]LLALGWVFVP

ClinVar aggregate classification (germline): Likely benign (0 of 4 stars; one submission).

Conditions:
SLC5A9-related disorder. Also called: SLC5A9-related condition.

Allele frequency attached by ClinVar (database versions not stated): gnomAD exomes 0.00001; ExAC 0.00002; gnomAD 0.00005; TOPMed 0.00006; ESP Exome Variant Server 0.00008.
gnomAD v4.1: 15 of 1,614,082 alleles (0.00093%); highest among the groups gnomAD compares: African/African-American, 0.019%; no homozygotes.

Submission:

PreventionGenetics, part of Exact Sciences
Classification: Likely benign for SLC5A9-related condition. Last evaluated: 2019-07-16. Review status: no assertion criteria provided. Collection method: clinical testing. Allele origin: germline.
Comment: This variant is classified as likely benign based on ACMG/AMP sequence variant interpretation guidelines (Richards et al. 2015 PMID: 25741868, with internal and published modifications).